The following is an entry in ClinVar:

ClinVar aggregate classification (germline): Pathogenic. Review status: criteria provided, multiple submitters, no conflicts (2 of 4 stars). 2 submissions from 2 submitters: Pathogenic (2). Last evaluated 2023-05-12.

Conditions:
Familial adenomatous polyposis 1 (FAP1). Also called: FAMILIAL ADENOMATOUS POLYPOSIS 1, ATTENUATED; POLYPOSIS, ADENOMATOUS INTESTINAL. Identifiers: MedGen C2713442, MONDO:0021056, OMIM 175100. Disease mechanism: loss of function.

Submissions (2):

Myriad Genetics, Inc.
Classification: Pathogenic for Familial adenomatous polyposis 1. Last evaluated: 2023-05-12. Review status: criteria provided, single submitter. Criteria: Myriad Autosomal Dominant, Autosomal Recessive and X-Linked Classification Criteria (2023). Collection method: clinical testing. Allele origin: unknown.
Comment: This variant is considered pathogenic. This variant creates a frameshift predicted to result in premature protein truncation.

Labcorp Genetics (formerly Invitae), Labcorp
Classification: Pathogenic for Familial adenomatous polyposis 1. Last evaluated: 2021-10-02. Review status: criteria provided, single submitter. Criteria: Invitae Variant Classification Sherloc (09022015). Collection method: clinical testing. Allele origin: germline.
Comment: A different truncation (p.Tyr2645Lysfs*14) that lies downstream of this variant has been determined to be pathogenic (PMID: 9824584, 1316610, 27081525, 8381579, 22135120, Invitae). This suggests that deletion of this region of the APC protein is causative of disease. For these reasons, this variant has been classified as Pathogenic. This variant is expected to disrupt the EB1 and HDLG binding sites, which mediate interactions with the cytoskeleton (PMID: 15311282, 17293347). While functional studies have not been performed to directly test the effect on APC protein function, this suggests that disruption of the C-terminal portion of the protein is functionally important. This variant has not been reported in the literature in individuals affected with APC-related conditions. This variant is not present in population databases (ExAC no frequency). This sequence change creates a premature translational stop signal (p.Asn1716Lysfs*27) in the APC gene. While this is not anticipated to result in nonsense mediated decay, it is expected to disrupt the last 1128 amino acid(s) of the APC protein.

Literature cited by the submitters: PubMed 9824584 (cited by Labcorp Genetics (formerly Invitae), Labcorp); PubMed 1316610 (cited by Labcorp Genetics (formerly Invitae), Labcorp); PubMed 27081525 (cited by Labcorp Genetics (formerly Invitae), Labcorp); PubMed 8381579 (cited by Labcorp Genetics (formerly Invitae), Labcorp); PubMed 22135120 (cited by Labcorp Genetics (formerly Invitae), Labcorp); PubMed 15311282 (cited by Labcorp Genetics (formerly Invitae), Labcorp); PubMed 17293347 (cited by Labcorp Genetics (formerly Invitae), Labcorp).

NM_000038.6(APC):c.5148_5151del (p.Asn1716fs)

Gene: APC (APC regulator of Wnt signaling pathway; plus strand). Cytogenetic location: 5q22.2.
Variant type: Deletion.
Coding change: c.5148_5151del on transcript NM_000038.6 (MANE Select); coding-DNA positions 5148 to 5151, 4 bases deleted (TAAA; older notation c.5148_5151delTAAA).
Protein change: p.Asn1716fs; shifts the reading frame from asparagine 1716.
Molecular consequence: frameshift variant.
Genome position (GRCh38, 1-based): chr5:112,840,742-112,840,745, TAAA deleted; deleting any 4 consecutive bases within chr5:112,840,740-112,840,745 gives the same sequence; the c. name uses the placement nearest the transcript's 3' end. VCF-style (leftmost placement, unchanged base first): chr5-112840739-CAATA-C. GRCh37 (hg19) VCF-style: chr5-112176436-CAATA-C.
Other names: c.5148_5151del, p.Asn1716fs (NM_001127510.3, NM_001354895.2); c.5094_5097del, p.Asn1698fs (NM_001127511.3); c.5202_5205del, p.Asn1734fs (NM_001354896.2); c.5178_5181del, p.Asn1726fs (NM_001354897.2); c.5073_5076del, p.Asn1691fs (NM_001354898.2); c.5064_5067del, p.Asn1688fs (NM_001354899.2); c.5025_5028del, p.Asn1675fs (NM_001354900.2); c.4971_4974del, p.Asn1657fs (NM_001354901.2); and 5 more; short protein forms N1590fs, N1625fs, N1675fs, N1698fs, N1433fs, N1726fs, N1734fs, N1556fs.
Identifiers: ClinVar variation 1397446 (VCV001397446.7), dbSNP rs2149933157, ClinGen allele CA2573138671.